The following is an entry in ClinVar:

ClinVar aggregate classification (germline): Uncertain significance (1 of 4 stars; one submission).

Allele frequency attached by ClinVar (database versions not stated): gnomAD exomes below 0.00001; TOPMed 0.00001.
gnomAD v4.1: 4 of 1,613,878 alleles (0.00025%); highest among the groups gnomAD compares: Non-Finnish European, 0.00025%; no homozygotes.

Submission:

Women's Health and Genetics/Laboratory Corporation of America, LabCorp
Classification: Uncertain significance. Last evaluated: 2024-04-16. Review status: criteria provided, single submitter. Criteria: LabCorp Variant Classification Summary - May 2015. Collection method: clinical testing. Allele origin: germline.
Comment: Variant summary: DNAH5 c.503T>C (p.Leu168Pro) results in a non-conservative amino acid change in the encoded protein sequence. Four of five in-silico tools predict a damaging effect of the variant on protein function. The variant was absent in 250918 control chromosomes. The available data on variant occurrences in the general population are insufficient to allow any conclusion about variant significance. c.503T>C has been reported in the literaturein at-least one individual affected with congenital heart disease (Watkins_2019). This report does not provide unequivocal conclusions about association of the variant with Primary ciliary dyskinesia 3. To our knowledge, no experimental evidence demonstrating an impact on protein function has been reported. The following publication has been ascertained in the context of this evaluation (PMID: 31624253). No submitters have cited clinical-significance assessments for this variant to ClinVar. Based on the evidence outlined above, the variant was classified as uncertain significance.

Literature cited by the submitters: PubMed 31624253.

NM_001369.3(DNAH5):c.503T>C (p.Leu168Pro)

Gene: DNAH5 (dynein axonemal heavy chain 5; minus strand). Cytogenetic location: 5p15.2.
Variant type: single nucleotide variant.
Coding change: c.503T>C on transcript NM_001369.3 (MANE Select); coding-DNA position 503, T replaced by C.
Protein change: p.Leu168Pro; replaces leucine 168 with proline.
Molecular consequence: missense variant.
Genome position (GRCh38, 1-based): chr5:13,922,264, A>G on the plus strand (T>C on the coding strand, the complement: DNAH5 is on the minus strand). VCF-style: chr5-13922264-A-G. GRCh37 (hg19) VCF-style: chr5-13922373-A-G.
Other names: short protein forms L168P.
Identifiers: ClinVar variation 3251254 (VCV003251254.1), dbSNP rs1777393935.
Genomic context (GRCh38, chr5:13,922,264, plus strand): 5'-CCCTCGAGCTCGCCCCAGCCATGGCTCGTGGCTCTGAGAGCAGGAATGAAGATGTCCGAC[A>G]GCAAACGTCTCACACTGTTGAGCAGGCCTCCATCTGCCGCATCTAACATGTTAAAACTCA-3'
Protein context (NP_001360.1, residues 158-178): GGLLNSVRRL[Leu168Pro]SDIFIPALRA